The following is an entry in ClinVar:

NM_001009944.3(PKD1):c.4573G>T (p.Val1525Phe)

Gene: PKD1 (polycystin 1, transient receptor potential channel interacting; minus strand). Cytogenetic location: 16p13.3.
Variant type: single nucleotide variant.
Coding change: c.4573G>T on transcript NM_001009944.3 (MANE Select); coding-DNA position 4573, G replaced by T.
Protein change: p.Val1525Phe; replaces valine 1525 with phenylalanine.
Molecular consequence: missense variant.
Genome position (GRCh38, 1-based): chr16:2,110,594, C>A on the plus strand (G>T on the coding strand, the complement: PKD1 is on the minus strand). VCF-style: chr16-2110594-C-A. GRCh37 (hg19) VCF-style: chr16-2160595-C-A.
Other names: c.4573G>T, p.Val1525Phe (NM_000296.4); short protein forms V1525F.
Identifiers: ClinVar variation 4853443 (VCV004853443.2).

ClinVar aggregate classification (germline): Uncertain significance. Review status: criteria provided, multiple submitters, no conflicts (2 of 4 stars). 2 submissions from 2 submitters: Uncertain significance (2). Last evaluated 2026-05-08.

Conditions:
Polycystic kidney disease, adult type (PKD1). Also called: Polycystic Kidney Disease 1, Autosomal Dominant; Polycystic kidney disease 1; Polycystic kidney disease 1, severe; POLYCYSTIC KIDNEY DISEASE, ADULT, TYPE I; Polycystic Kidney, Autosomal Dominant; POLYCYSTIC KIDNEY DISEASE 1 WITH OR WITHOUT POLYCYSTIC LIVER DISEASE. Identifiers: MedGen C3149841, MONDO:0008263, OMIM 173900.

Submissions (2):

Women's Health and Genetics/Laboratory Corporation of America, LabCorp
Classification: Uncertain significance. Last evaluated: 2026-05-08. Review status: criteria provided, single submitter. Criteria: LabCorp Variant Classification Summary - May 2015. Collection method: clinical testing. Allele origin: germline.
Comment: Variant summary: PKD1 c.4573G>T (p.Val1525Phe) results in a non-conservative amino acid change in the encoded protein sequence. Algorithms developed to predict the effect of missense changes on protein structure and function are either unavailable or do not agree on the potential impact of this missense change. The variant was absent in 248210 control chromosomes. The available data on variant occurrences in the general population are insufficient to allow any conclusion about variant significance. c.4573G>T has been observed in individuals affected with autosomal dominant Polycystic Kidney Disease (example: Mantovani_2020, Sun_2025). These reports do not provide unequivocal conclusions about association of the variant with PKD1-related disorders. To our knowledge, no experimental evidence demonstrating an impact on protein function has been reported. The following publications have been ascertained in the context of this evaluation (PMID: 32457805, 40069205). No submitters have cited clinical-significance assessments for this variant to ClinVar. Based on the evidence outlined above, the variant was classified as uncertain significance.

Victorian Clinical Genetics Services, Murdoch Childrens Research Institute
Classification: Uncertain significance for Polycystic kidney disease, adult type. Last evaluated: 2026-04-16. Review status: criteria provided, single submitter. Criteria: ACMG Guidelines, 2015. Collection method: clinical testing. Allele origin: germline. Affected: yes.
Comment: This variant is classified as VUS-3B. Evidence in support of pathogenic classification: Variant is absent from gnomAD (v2, v3 and v4). Evidence in support of benign classification: Missense variant predicted to be tolerated by in silico tool(s) or not conserved in placental mammals with a minor amino acid change. Additional information: Variant is predicted to result in a missense amino acid change from Val to Phe; This variant is heterozygous; This gene is associated with autosomal dominant disease. Polycystic kidney disease 1 (MIM#173900) is predominantly caused by monoallelic variants, with rare reports of biallelic variants causing disease (OMIM); Alternative amino acid change(s) at the same position are present in gnomAD (highest allele count: v4: 28 heterozygote(s), 0 homozygote(s)); Previous reports of pathogenicity for this variant are conflicting. This variant has been reported in the literature with conflicting classifications in two individuals with autosomal dominant polycystic kidney disease (PMID: 32457805, 40069205); No published evidence of segregation with disease has been identified for this variant; No published functional evidence has been identified for this variant; Another missense variant comparable to the one identified in this case has inconclusive previous evidence for pathogenicity. p.(Val1525Ile) has been classified as a VUS in ClinVar; Variant is located in the annotated PKD domain (DECIPHER). - Loss of function is a known mechanism of disease in this gene and is associated with polycystic kidney disease 1 (MIM#173900); Inheritance information for this variant is not currently available in this individual.

Literature cited by the submitters: PubMed 32457805 (cited by Women's Health and Genetics/Laboratory Corporation of America, LabCorp and Victorian Clinical Genetics Services, Murdoch Childrens Research Institute); PubMed 40069205 (cited by Women's Health and Genetics/Laboratory Corporation of America, LabCorp and Victorian Clinical Genetics Services, Murdoch Childrens Research Institute).